The following is an entry in ClinVar:

NM_001378778.1(MPDZ):c.2954A>C (p.Gln985Pro)

Gene: MPDZ (multiple PDZ domain crumbs cell polarity complex component; minus strand). Cytogenetic location: 9p23.
Variant type: single nucleotide variant.
Coding change: c.2954A>C on transcript NM_001378778.1 (MANE Select); coding-DNA position 2954, A replaced by C.
Protein change: p.Gln985Pro; replaces glutamine 985 with proline.
Molecular consequence: missense variant.
Genome position (GRCh38, 1-based): chr9:13,175,853, T>G on the plus strand (A>C on the coding strand, the complement: MPDZ is on the minus strand). VCF-style: chr9-13175853-T-G. GRCh37 (hg19) VCF-style: chr9-13175852-T-G.
Other names: c.2954A>C, p.Gln985Pro (NM_001375424.1, NM_001375425.1, NM_001375426.1 and 14 more transcripts); short protein forms Q985P.
Identifiers: ClinVar variation 1410257 (VCV001410257.6), dbSNP rs200272559, ClinGen allele CA4987311.

ClinVar aggregate classification (germline): Uncertain significance (1 of 4 stars; one submission).

Allele frequency attached by ClinVar (database versions not stated): gnomAD exomes 0.00003 and 0.00015; gnomAD 0.00005; ExAC 0.00006; TOPMed 0.00006; ESP Exome Variant Server 0.00017.
gnomAD v4.1: 216 of 1,594,330 alleles (0.014%); highest among the groups gnomAD compares: Non-Finnish European, 0.018%; no homozygotes.

Submission:

Labcorp Genetics (formerly Invitae), Labcorp
Classification: Uncertain significance. Last evaluated: 2022-03-10. Review status: criteria provided, single submitter. Criteria: Invitae Variant Classification Sherloc (09022015). Collection method: clinical testing. Allele origin: germline.
Comment: This sequence change replaces glutamine, which is neutral and polar, with proline, which is neutral and non-polar, at codon 985 of the MPDZ protein (p.Gln985Pro). In summary, the available evidence is currently insufficient to determine the role of this variant in disease. Therefore, it has been classified as a Variant of Uncertain Significance. Algorithms developed to predict the effect of missense changes on protein structure and function are either unavailable or do not agree on the potential impact of this missense change (SIFT: "Deleterious"; PolyPhen-2: "Benign"; Align-GVGD: "Class C15"). This variant has not been reported in the literature in individuals affected with MPDZ-related conditions. This variant is present in population databases (rs200272559, gnomAD 0.007%).